The following is an entry in ClinVar:

ClinVar aggregate classification (germline): Likely benign (1 of 4 stars; one submission).

Allele frequency attached by ClinVar (database versions not stated): gnomAD 0.00427 and 0.00453; TOPMed 0.00503; 1000 Genomes Project 30x 0.00604; 1000 Genomes Project 0.00609.
gnomAD v4.1: 479 of 111,495 alleles (0.43%); highest among the groups gnomAD compares: African/African-American, 1.4%; 7 homozygotes.

Submission:

GeneDx
Classification: Likely benign. Last evaluated: 2018-06-19. Review status: criteria provided, single submitter. Criteria: GeneDx Variant Classification (06012015). Collection method: clinical testing. Allele origin: germline. Affected: yes.
Comment: This variant is considered likely benign or benign based on one or more of the following criteria: it is a conservative change, it occurs at a poorly conserved position in the protein, it is predicted to be benign by multiple in silico algorithms, and/or has population frequency not consistent with disease.

NM_004006.3(DMD):c.264+267A>C

Gene: DMD (dystrophin; minus strand). Cytogenetic location: Xp21.1.
Variant type: single nucleotide variant.
Coding change: c.264+267A>C on transcript NM_004006.3 (MANE Select); 267 bases into the intron after coding-DNA position 264, A replaced by C.
Molecular consequence: intron variant.
Genome position (GRCh38, 1-based): chrX:32,844,516, T>G on the plus strand (A>C on the coding strand, the complement: DMD is on the minus strand). VCF-style: chrX-32844516-T-G. GRCh37 (hg19) VCF-style: chrX-32862633-T-G.
Other names: c.240+267A>C (NM_000109.4); c.252+267A>C (NM_004009.3); c.-106+267A>C (NM_004010.3).
Identifiers: ClinVar variation 671723 (VCV000671723.1), dbSNP rs139401722, ClinGen allele CA328578073.